The following is an entry in ClinVar:

ClinVar aggregate classification (germline): Pathogenic (1 of 4 stars; one submission).

Submission:

CeGaT Center for Human Genetics Tuebingen
Classification: Pathogenic. Last evaluated: 2025-12-01. Review status: criteria provided, single submitter. Criteria: CeGaT Center For Human Genetics Tuebingen Variant Classification Criteria Version 2. Collection method: clinical testing. Allele origin: germline. Affected: yes. Observed: 2 variant alleles.
Comment: ITK: PVS1, PM2

NM_005546.4(ITK):c.929_930delinsT (p.Lys310fs)

Gene: ITK (IL2 inducible T cell kinase; plus strand). Cytogenetic location: 5q33.3.
Variant type: Indel.
Coding change: c.929_930delinsT on transcript NM_005546.4 (MANE Select); coding-DNA positions 929 to 930, AG replaced by T.
Protein change: p.Lys310fs; shifts the reading frame from lysine 310.
Molecular consequence: frameshift variant.
Genome position (GRCh38, 1-based): chr5:157,240,139-157,240,140, AG replaced by T. VCF-style: chr5-157240139-AG-T. GRCh37 (hg19) VCF-style: chr5-156667149-AG-T.
Other names: short protein forms K310fs.
Identifiers: ClinVar variation 3257570 (VCV003257570.17).